The following is an entry in ClinVar:

NM_001004051.4(GPRASP2):c.1080T>C (p.Thr360=)

Genes: ARMCX5-GPRASP2 (ARMCX5-GPRASP2 readthrough; plus strand), GPRASP2 (G protein-coupled receptor associated sorting protein 2; plus strand). Cytogenetic location: Xq22.1.
Variant type: single nucleotide variant.
Coding change: c.1080T>C on transcript NM_001004051.4 (MANE Select); coding-DNA position 1080, T replaced by C.
Protein change: p.Thr360=; no amino-acid change (threonine 360 retained).
Molecular consequence: synonymous variant. On other transcripts: intron variant (3).
Genome position (GRCh38, 1-based): chrX:102,715,949, T>C. VCF-style: chrX-102715949-T-C. GRCh37 (hg19) VCF-style: chrX-101970877-T-C.
Other names: c.1080T>C, p.Thr360= (NM_001199818.1, NM_001184874.3, NM_001184875.3 and 2 more transcripts); c.-820+1683T>C (NM_001350268.2); c.-752+1683T>C (NM_001350269.2); c.-721+1683T>C (NM_001350270.1).
Identifiers: ClinVar variation 781554 (VCV000781554.7), dbSNP rs113906002, ClinGen allele CA10476538.
Genomic context (GRCh38, chrX:102,715,949, plus strand): 5'-TTTGCCTGGAGAAGAGGCCAATAGTAGATTCAGGCACAGAGACAAAGAAGATCCTAATAC[T>C]GCCTTGAAACTCAGGGCCCAGAAAGATGTTGACAGTGATAGGGTCAAACAAGAACCCAGG-3'
Protein context (NP_001004051.1, residues 350-370): FRHRDKEDPN[Thr360=]ALKLRAQKDV

ClinVar aggregate classification (germline): Benign. Review status: criteria provided, multiple submitters, no conflicts (2 of 4 stars). 3 submissions from 3 submitters: Benign (2). 1 of the submissions does not count toward it. Last evaluated 2019-12-31.

Conditions:
GPRASP2-related disorder. Also called: GPRASP2-related condition.

Allele frequency attached by ClinVar (database versions not stated): gnomAD exomes 0.00343 and 0.00112; 1000 Genomes Project 0.01325; ESP Exome Variant Server 0.01401; gnomAD 0.01175 and 0.01108; TOPMed 0.01315; 1000 Genomes Project 30x 0.01415; ExAC 0.00438.
gnomAD v4.1: 2,516 of 1,209,713 alleles (0.21%); highest among the groups gnomAD compares: African/African-American, 4%; 43 homozygotes.

Submissions (3):

Labcorp Genetics (formerly Invitae), Labcorp
Classification: Benign. Last evaluated: 2019-12-31. Review status: criteria provided, single submitter. Criteria: Invitae Variant Classification Sherloc (09022015). Collection method: clinical testing. Allele origin: germline.

Breakthrough Genomics
Classification: Benign. Review status: criteria provided, single submitter. Criteria: ACMG Guidelines, 2015. Collection method: not provided. Allele origin: germline. Inheritance: X-linked inheritance. Affected: yes.

PreventionGenetics, part of Exact Sciences
Classification: Benign for GPRASP2-related condition. Last evaluated: 2019-08-28. Review status: no assertion criteria provided. Collection method: clinical testing. Allele origin: germline. Not counted in ClinVar's aggregate classification.
Comment: This variant is classified as benign based on ACMG/AMP sequence variant interpretation guidelines (Richards et al. 2015 PMID: 25741868, with internal and published modifications).